The following is an entry in ClinVar:

ClinVar aggregate classification (germline): Uncertain significance (1 of 4 stars; one submission).

Conditions:
Cardiovascular phenotype. Identifiers: MedGen CN230736.

Submission:

Ambry Genetics
Classification: Uncertain significance for Cardiovascular phenotype. Last evaluated: 2026-03-15. Review status: criteria provided, single submitter. Criteria: Ambry Variant Classification Scheme 2023. Collection method: clinical testing. Allele origin: germline.
Comment: The p.S405F variant (also known as c.1214C>T), located in coding exon 8 of the TBX20 gene, results from a C to T substitution at nucleotide position 1214. The serine at codon 405 is replaced by phenylalanine, an amino acid with highly dissimilar properties. This amino acid position is conserved. In addition, the in silico prediction for this alteration is inconclusive. Based on the available evidence, the clinical significance of this variant remains unclear.

NM_001077653.2(TBX20):c.1214C>T (p.Ser405Phe)

Gene: TBX20 (T-box transcription factor 20; minus strand). Cytogenetic location: 7p14.2.
Variant type: single nucleotide variant.
Coding change: c.1214C>T on transcript NM_001077653.2 (MANE Select); coding-DNA position 1214, C replaced by T.
Protein change: p.Ser405Phe; replaces serine 405 with phenylalanine.
Molecular consequence: missense variant.
Genome position (GRCh38, 1-based): chr7:35,202,560, G>A on the plus strand (C>T on the coding strand, the complement: TBX20 is on the minus strand). VCF-style: chr7-35202560-G-A. GRCh37 (hg19) VCF-style: chr7-35242172-G-A.
Other names: short protein forms S405F.
Identifiers: ClinVar variation 3453886 (VCV003453886.2).